The following is an entry in ClinVar:

NM_001162498.3(LPAR6):c.924del (p.Val309fs)

Genes: LPAR6 (lysophosphatidic acid receptor 6; minus strand), RB1 (RB transcriptional corepressor 1; plus strand). Cytogenetic location: 13q14.2.
Variant type: Deletion.
Coding change: c.924del on transcript NM_001162498.3 (MANE Select); coding-DNA position 924, one base deleted (T; older notation c.924delT).
Protein change: p.Val309fs; shifts the reading frame from valine 309.
Molecular consequence: frameshift variant. On other transcripts: intron variant (2).
Genome position (GRCh38, 1-based): chr13:48,411,500, A deleted on the plus strand (T on the coding strand, the reverse complement: LPAR6 is on the minus strand). VCF-style (leftmost placement, unchanged base first): chr13-48411499-CA-C. GRCh37 (hg19) VCF-style: chr13-48985635-CA-C.
Other names: c.924del, p.Val309fs (NM_001162497.3, NM_001377316.2, NM_001377317.2 and 1 more transcripts); c.1695+30057del (NM_001407165.1, NM_000321.3); short protein forms V309fs.
Identifiers: ClinVar variation 3250465 (VCV003250465.1), dbSNP rs2542254523.

ClinVar aggregate classification (germline): Likely pathogenic (1 of 4 stars; one submission).

Conditions:
Hypotrichosis 8 (HYPT8). Also called: HYPOTRICHOSIS, LOCALIZED, AUTOSOMAL RECESSIVE 3. Identifiers: Orphanet 55654, MedGen C3279470, MONDO:0010206, OMIM 278150.

Submission:

Neuberg Centre For Genomic Medicine, NCGM
Classification: Likely pathogenic for Hypotrichosis 8. Review status: criteria provided, single submitter. Criteria: ACMG Guidelines, 2015. Collection method: clinical testing. Allele origin: germline. Inheritance: Autosomal recessive inheritance. Affected: yes.
Comment: The observed frame shift variant c.924del (p.Val309SerfsTer25) in LPAR6 gene has not been reported previously as a pathogenic variant nor as a benign variant, to our knowledge. The p.Val309SerfsTer25 variant is absent in gnomAD Exomes. This variant has not been submitted to the ClinVar database. This variant causes a frameshift starting with codon Valine 309, changes this amino acid to Serine residue, and creates a premature Stop codon at position 25 of the new reading frame, denoted p.Val309SerfsTer25. This variant is predicted to cause loss of normal protein function through protein truncation. Loss of function variants have been previously reported to be disease causing. For these reasons, this variant has been classified as Likely Pathogenic.